The following is an entry in ClinVar:

NM_005327.7(HADH):c.523G>A (p.Val175Met)

Gene: HADH (hydroxyacyl-CoA dehydrogenase; plus strand). Cytogenetic location: 4q25.
Variant type: single nucleotide variant.
Coding change: c.523G>A on transcript NM_005327.7 (MANE Select); coding-DNA position 523, G replaced by A.
Protein change: p.Val175Met; replaces valine 175 with methionine.
Molecular consequence: missense variant.
Genome position (GRCh38, 1-based): chr4:108,019,643, G>A. VCF-style: chr4-108019643-G-A. GRCh37 (hg19) VCF-style: chr4-108940799-G-A.
Other names: c.523G>A, p.Val175Met (NM_001184705.4); c.535G>A, p.Val179Met (NM_001331027.2); short protein forms V175M, V179M.
Identifiers: ClinVar variation 2682607 (VCV002682607.1), dbSNP rs1440123580, ClinGen allele CA357833211.

ClinVar aggregate classification (germline): Uncertain significance (1 of 4 stars; one submission).

Allele frequency attached by ClinVar (database versions not stated): TOPMed below 0.00001; gnomAD 0.00001.
gnomAD v4.1: 1 of 1,614,042 alleles (0.000062%); highest among the groups gnomAD compares: Non-Finnish European, 0.000085%; no homozygotes.

Submission:

Women's Health and Genetics/Laboratory Corporation of America, LabCorp
Classification: Uncertain significance. Last evaluated: 2023-11-17. Review status: criteria provided, single submitter. Criteria: LabCorp Variant Classification Summary - May 2015. Collection method: clinical testing. Allele origin: germline.
Comment: Variant summary: HADH c.523G>A (p.Val175Met) results in a conservative amino acid change located in the 3-hydroxyacyl-CoA dehydrogenase, NAD binding domain (IPR006176) of the encoded protein sequence. Four of five in-silico tools predict a damaging effect of the variant on protein function. The variant was absent in 251472 control chromosomes (gnomAD). The available data on variant occurrences in the general population are insufficient to allow any conclusion about variant significance. To our knowledge, no occurrence of c.523G>A in individuals affected with Familial Hyperinsulinism and no experimental evidence demonstrating its impact on protein function have been reported. No submitters have cited clinical-significance assessments for this variant to ClinVar after 2014. Based on the evidence outlined above, the variant was classified as uncertain significance.